The following is an entry in ClinVar:

NM_003235.5(TG):c.7647C>T (p.Gly2549=)

Gene: TG (thyroglobulin; plus strand). Cytogenetic location: 8q24.22.
Variant type: single nucleotide variant.
Coding change: c.7647C>T on transcript NM_003235.5 (MANE Select); coding-DNA position 7647, C replaced by T.
Protein change: p.Gly2549=; no amino-acid change (glycine 2549 retained).
Molecular consequence: synonymous variant.
Genome position (GRCh38, 1-based): chr8:133,113,496, C>T. VCF-style: chr8-133113496-C-T. GRCh37 (hg19) VCF-style: chr8-134125740-C-T.
Identifiers: ClinVar variation 911199 (VCV000911199.32), dbSNP rs200261320, ClinGen allele CA4885729.

ClinVar aggregate classification (germline): Conflicting classifications of pathogenicity. Review status: criteria provided, conflicting classifications (1 of 4 stars). 4 submissions from 4 submitters: Uncertain significance (1); Likely benign (3). Last evaluated 2024-10-23.

Conditions:
Iodotyrosyl coupling defect (TDH3). Also called: HYPOTHYROIDISM, CONGENITAL, DUE TO DYSHORMONOGENESIS, 3; THYROID HORMONOGENESIS, GENETIC DEFECT IN, 3. Identifiers: Orphanet 95716, MedGen C0342194, MONDO:0010135, OMIM 274700.

Allele frequency attached by ClinVar (database versions not stated): gnomAD 0.00002 and 0.00003; gnomAD exomes 0.00006; ExAC 0.00007; TOPMed 0.00009.
gnomAD v4.1: 65 of 1,613,912 alleles (0.004%); highest among the groups gnomAD compares: Middle Eastern, 0.18%; no homozygotes.

Submissions (4):

Blueprint Genetics
Classification: Likely benign. Last evaluated: 2024-10-23. Review status: criteria provided, single submitter. Criteria: ACMG Guidelines, 2015. Collection method: clinical testing. Allele origin: germline.

Labcorp Genetics (formerly Invitae), Labcorp
Classification: Likely benign. Last evaluated: 2024-03-13. Review status: criteria provided, single submitter. Criteria: Invitae Variant Classification Sherloc (09022015). Collection method: clinical testing. Allele origin: germline.

CeGaT Center for Human Genetics Tuebingen
Classification: Likely benign. Last evaluated: 2022-12-01. Review status: criteria provided, single submitter. Criteria: CeGaT Center For Human Genetics Tuebingen Variant Classification Criteria Version 2. Collection method: clinical testing. Allele origin: germline. Affected: yes. Observed: 1 variant allele.
Comment: TG: BP4, BP7

Illumina Laboratory Services, Illumina
Classification: Uncertain significance for Iodotyrosyl coupling defect. Last evaluated: 2018-01-13. Review status: criteria provided, single submitter. Criteria: ICSL Variant Classification Criteria 13 December 2019. Collection method: clinical testing. Allele origin: germline.